The following is an entry in ClinVar:

ClinVar aggregate classification (germline): Uncertain significance. Review status: criteria provided, multiple submitters, no conflicts (2 of 4 stars). 3 submissions from 3 submitters: Uncertain significance (2). 1 of the submissions does not count toward it. Last evaluated 2025-05-05.

Conditions:
Bloom syndrome (BLM). Also called: Bloom-Torre-Machacek syndrome. Identifiers: Orphanet 125, MedGen C0005859, MONDO:0008876, OMIM 210900.
Hereditary cancer-predisposing syndrome. Also called: Neoplastic Syndromes, Hereditary; Hereditary Cancer Syndrome; Tumor predisposition; Hereditary neoplastic syndrome. Identifiers: Orphanet 140162, MedGen C0027672, MeSH D009386, MONDO:0015356.

Allele frequency attached by ClinVar (database versions not stated): gnomAD exomes below 0.00001; gnomAD 0.00001.
gnomAD v4.1: 3 of 1,613,660 alleles (0.00019%); highest among the groups gnomAD compares: Non-Finnish European, 0.00025%; no homozygotes.

Submissions (3):

Ambry Genetics
Classification: Uncertain significance for Hereditary cancer-predisposing syndrome. Last evaluated: 2025-05-05. Review status: criteria provided, single submitter. Criteria: Ambry Variant Classification Scheme 2023. Collection method: clinical testing. Allele origin: germline.
Comment: The p.S1417L variant (also known as c.4250C>T), located in coding exon 21 of the BLM gene, results from a C to T substitution at nucleotide position 4250. The serine at codon 1417 is replaced by leucine, an amino acid with dissimilar properties. This amino acid position is conserved. In addition, this alteration is predicted to be tolerated by in silico analysis. Since supporting evidence is limited at this time, the clinical significance of this alteration remains unclear.

Labcorp Genetics (formerly Invitae), Labcorp
Classification: Uncertain significance for Bloom syndrome. Last evaluated: 2024-09-29. Review status: criteria provided, single submitter. Criteria: Invitae Variant Classification Sherloc (09022015). Collection method: clinical testing. Allele origin: germline.
Comment: This sequence change replaces serine, which is neutral and polar, with leucine, which is neutral and non-polar, at codon 1417 of the BLM protein (p.Ser1417Leu). This variant is not present in population databases (gnomAD no frequency). This variant has not been reported in the literature in individuals affected with BLM-related conditions. ClinVar contains an entry for this variant (Variation ID: 944928). An algorithm developed to predict the effect of missense changes on protein structure and function outputs the following: PolyPhen-2: "Benign". The leucine amino acid residue is found in multiple mammalian species, which suggests that this missense change does not adversely affect protein function. In summary, the available evidence is currently insufficient to determine the role of this variant in disease. Therefore, it has been classified as a Variant of Uncertain Significance.

Natera, Inc.
Classification: Uncertain significance for Bloom syndrome. Last evaluated: 2019-12-19. Review status: no assertion criteria provided. Collection method: clinical testing. Allele origin: germline. Not counted in ClinVar's aggregate classification.

NM_000057.4(BLM):c.4250C>T (p.Ser1417Leu)

Gene: BLM (BLM RecQ like helicase; plus strand). Cytogenetic location: 15q26.1.
Variant type: single nucleotide variant.
Coding change: c.4250C>T on transcript NM_000057.4 (MANE Select); coding-DNA position 4250, C replaced by T.
Protein change: p.Ser1417Leu; replaces serine 1417 with leucine.
Molecular consequence: missense variant.
Genome position (GRCh38, 1-based): chr15:90,815,275, C>T. VCF-style: chr15-90815275-C-T. GRCh37 (hg19) VCF-style: chr15-91358505-C-T.
Other names: c.4250C>T, p.Ser1417Leu (NM_001287246.2); c.3857C>T, p.Ser1286Leu (NM_001287247.2); c.3125C>T, p.Ser1042Leu (NM_001287248.2); c.4250C>T (NM_000057.2); short protein forms S1286L, S1417L, S1042L.
Identifiers: ClinVar variation 944928 (VCV000944928.16), dbSNP rs1897533974, ClinGen allele CA393853422.
Genomic context (GRCh38, chr15:90,815,275, plus strand): 5'-GGATTATGGCTCCACCGAAGCCTATAAATAGACCGTTTCTTAAGCCTTCATATGCATTCT[C>T]ATAACAACCGAATCTCAATGTACATAGACCCTCTTTCTTGTTTGTCAGCATCTGACCATC-3'
Protein context (NP_000048.1, residues 1407-1417): RPFLKPSYAF[Ser1417Leu]